The following is an entry in ClinVar:

NM_032578.4(MYPN):c.614G>A (p.Arg205Lys)

Gene: MYPN (myopalladin; plus strand). Cytogenetic location: 10q21.3.
Variant type: single nucleotide variant.
Coding change: c.614G>A on transcript NM_032578.4 (MANE Select); coding-DNA position 614, G replaced by A.
Protein change: p.Arg205Lys; replaces arginine 205 with lysine.
Molecular consequence: missense variant. On other transcripts: 5 prime UTR variant (1), non-coding transcript variant (1).
Genome position (GRCh38, 1-based): chr10:68,122,052, G>A. VCF-style: chr10-68122052-G-A. GRCh37 (hg19) VCF-style: chr10-69881809-G-A.
Other names: c.614G>A, p.Arg205Lys (NM_001256267.2); c.-509G>A (NM_001256268.2); c.614G>A (NM_032578.3, NM_032578.2); short protein forms R205K.
Identifiers: ClinVar variation 1519902 (VCV001519902.11), dbSNP rs2133995521, ClinGen allele CA377104750.

ClinVar aggregate classification (germline): Uncertain significance. Review status: criteria provided, multiple submitters, no conflicts (2 of 4 stars). 3 submissions from 3 submitters: Uncertain significance (3). Last evaluated 2024-10-14.

Conditions:
Cardiovascular phenotype. Identifiers: MedGen CN230736.
Dilated cardiomyopathy 1KK (CMD1KK). Identifiers: Orphanet 154, Orphanet 75249, MedGen C3714995, MONDO:0014100, OMIM 615248.

Submissions (3):

Ambry Genetics
Classification: Uncertain significance for Cardiovascular phenotype. Last evaluated: 2024-10-14. Review status: criteria provided, single submitter. Criteria: Ambry Variant Classification Scheme 2023. Collection method: clinical testing. Allele origin: germline.
Comment: The p.R205K variant (also known as c.614G>A), located in coding exon 1 of the MYPN gene, results from a G to A substitution at nucleotide position 614. The arginine at codon 205 is replaced by lysine, an amino acid with highly similar properties. This amino acid position is conserved. In addition, this alteration is predicted to be tolerated by in silico analysis. Based on the available evidence, the clinical significance of this variant remains unclear.

Revvity Omics, Revvity
Classification: Uncertain significance. Last evaluated: 2021-06-11. Review status: criteria provided, single submitter. Criteria: ACMG Guidelines, 2015. Collection method: clinical testing. Allele origin: germline.

Labcorp Genetics (formerly Invitae), Labcorp
Classification: Uncertain significance for Dilated cardiomyopathy 1KK. Last evaluated: 2021-03-08. Review status: criteria provided, single submitter. Criteria: Invitae Variant Classification Sherloc (09022015). Collection method: clinical testing. Allele origin: germline.
Comment: In summary, the available evidence is currently insufficient to determine the role of this variant in disease. Therefore, it has been classified as a Variant of Uncertain Significance. Algorithms developed to predict the effect of missense changes on protein structure and function output the following: SIFT: "Tolerated"; PolyPhen-2: "Benign"; Align-GVGD: "Class C0". The lysine amino acid residue is found in multiple mammalian species, suggesting that this missense change does not adversely affect protein function. These predictions have not been confirmed by published functional studies and their clinical significance is uncertain. This variant has not been reported in the literature in individuals with MYPN-related conditions. This variant is not present in population databases (ExAC no frequency). This sequence change replaces arginine with lysine at codon 205 of the MYPN protein (p.Arg205Lys). The arginine residue is moderately conserved and there is a small physicochemical difference between arginine and lysine.